The following is an entry in ClinVar:

NM_003786.4(ABCC3):c.1256G>A (p.Arg419His)

Gene: ABCC3 (ATP binding cassette subfamily C member 3; plus strand). Cytogenetic location: 17q21.33.
Variant type: single nucleotide variant.
Coding change: c.1256G>A on transcript NM_003786.4 (MANE Select); coding-DNA position 1256, G replaced by A.
Protein change: p.Arg419His; replaces arginine 419 with histidine.
Molecular consequence: missense variant.
Genome position (GRCh38, 1-based): chr17:50,664,029, G>A. VCF-style: chr17-50664029-G-A. GRCh37 (hg19) VCF-style: chr17-48741390-G-A.
Other names: c.1256G>A, p.Arg419His (NM_001144070.2); short protein forms R419H.
Identifiers: ClinVar variation 2647942 (VCV002647942.24), dbSNP rs142924921, ClinGen allele CA8654382.

ClinVar aggregate classification (germline): Likely benign (1 of 4 stars; one submission).

Allele frequency attached by ClinVar (database versions not stated): ExAC 0.00049; 1000 Genomes Project 0.00060; 1000 Genomes Project 30x 0.00062; gnomAD 0.00135; TOPMed 0.00148; ESP Exome Variant Server 0.00223.
gnomAD v4.1: 456 of 1,614,194 alleles (0.028%); highest among the groups gnomAD compares: African/African-American, 0.48%; 4 homozygotes.

Submission:

CeGaT Center for Human Genetics Tuebingen
Classification: Likely benign. Last evaluated: 2023-03-01. Review status: criteria provided, single submitter. Criteria: CeGaT Center For Human Genetics Tuebingen Variant Classification Criteria Version 2. Collection method: clinical testing. Allele origin: germline. Affected: yes. Observed: 1 variant allele.
Comment: ABCC3: BS2